The following is an entry in ClinVar:

NM_080680.3(COL11A2):c.2484+6C>G

Gene: COL11A2 (collagen type XI alpha 2 chain; minus strand). Cytogenetic location: 6p21.32.
Variant type: single nucleotide variant.
Coding change: c.2484+6C>G on transcript NM_080680.3 (MANE Select); 6 bases into the intron after coding-DNA position 2484, C replaced by G.
Molecular consequence: intron variant.
Genome position (GRCh38, 1-based): chr6:33,174,159, G>C on the plus strand (C>G on the coding strand, the complement: COL11A2 is on the minus strand). VCF-style: chr6-33174159-G-C. GRCh37 (hg19) VCF-style: chr6-33141936-G-C.
Other names: c.2163+6C>G (NM_080679.3); c.2226+6C>G (NM_080681.3).
Identifiers: ClinVar variation 1404273 (VCV001404273.5), dbSNP rs554710956, ClinGen allele CA3750892.

ClinVar aggregate classification (germline): Conflicting classifications of pathogenicity. Review status: criteria provided, conflicting classifications (1 of 4 stars). 2 submissions from 2 submitters: Uncertain significance (1); Likely benign (1). Last evaluated 2025-12-22.

Allele frequency attached by ClinVar (database versions not stated): gnomAD exomes 0.00002 and 0.00005; gnomAD 0.00006; ExAC 0.00013; 1000 Genomes Project 0.00020.
gnomAD v4.1: 38 of 1,586,010 alleles (0.0024%); highest among the groups gnomAD compares: South Asian, 0.042%; no homozygotes.

Submissions (2):

Labcorp Genetics (formerly Invitae), Labcorp
Classification: Uncertain significance. Last evaluated: 2025-12-22. Review status: criteria provided, single submitter. Criteria: Invitae Variant Classification Sherloc (09022015). Collection method: clinical testing. Allele origin: germline.
Comment: This sequence change falls in intron 32 of the COL11A2 gene. It does not directly change the encoded amino acid sequence of the COL11A2 protein. It affects a nucleotide within the consensus splice site. This variant is present in population databases (rs554710956, gnomAD 0.03%). This variant has not been reported in the literature in individuals affected with COL11A2-related conditions. ClinVar contains an entry for this variant (Variation ID: 1404273). Variants that disrupt the consensus splice site are a relatively common cause of aberrant splicing (PMID: 17576681, 9536098). Algorithms developed to predict the effect of sequence changes on RNA splicing suggest that this variant is not likely to affect RNA splicing. In summary, the available evidence is currently insufficient to determine the role of this variant in disease. Therefore, it has been classified as a Variant of Uncertain Significance.

Blueprint Genetics
Classification: Likely benign. Last evaluated: 2024-10-02. Review status: criteria provided, single submitter. Criteria: ACMG Guidelines, 2015. Collection method: clinical testing. Allele origin: germline.

Literature cited by the submitters: PubMed 17576681 (cited by Labcorp Genetics (formerly Invitae), Labcorp); PubMed 9536098 (cited by Labcorp Genetics (formerly Invitae), Labcorp).